The following is an entry in ClinVar:

ClinVar aggregate classification (germline): Uncertain significance (1 of 4 stars; one submission).

Conditions:
Primary dilated cardiomyopathy (DCM). Also called: Dilated Cardiomyopathy. Identifiers: Orphanet 217604, MedGen C0007193, MeSH D002311, MONDO:0005021, HP:0001644. Inheritance: Various modes of inheritance.

Allele frequency attached by ClinVar (database versions not stated): TOPMed below 0.00001; gnomAD 0.00002; ExAC 0.00002.
gnomAD v4.1: 27 of 1,601,018 alleles (0.0017%); highest among the groups gnomAD compares: Middle Eastern, 0.017%; no homozygotes.

Submission:

Labcorp Genetics (formerly Invitae), Labcorp
Classification: Uncertain significance for Primary dilated cardiomyopathy. Last evaluated: 2025-09-27. Review status: criteria provided, single submitter. Criteria: Invitae Variant Classification Sherloc (09022015). Collection method: clinical testing. Allele origin: germline.
Comment: This sequence change affects codon 747 of the NEBL mRNA. It is a 'silent' change, meaning that it does not change the encoded amino acid sequence of the NEBL protein. This variant also falls at the last nucleotide of exon 22, which is part of the consensus splice site for this exon. This variant is present in population databases (rs377702958, gnomAD 0.03%). This variant has not been reported in the literature in individuals affected with NEBL-related conditions. ClinVar contains an entry for this variant (Variation ID: 1437610). Variants that disrupt the consensus splice site are a relatively common cause of aberrant splicing (PMID: 17576681, 9536098). Algorithms developed to predict the effect of sequence changes on RNA splicing suggest that this variant may disrupt the consensus splice site. In summary, the available evidence is currently insufficient to determine the role of this variant in disease. Therefore, it has been classified as a Variant of Uncertain Significance.

Literature cited by the submitters: PubMed 17576681; PubMed 9536098.

NM_006393.3(NEBL):c.2241G>A (p.Ser747=)

Gene: NEBL (nebulette; minus strand). Cytogenetic location: 10p12.31.
Variant type: single nucleotide variant.
Coding change: c.2241G>A on transcript NM_006393.3 (MANE Select); coding-DNA position 2241, G replaced by A.
Protein change: p.Ser747=; no amino-acid change (serine 747 retained).
Molecular consequence: synonymous variant. On other transcripts: intron variant (9).
Genome position (GRCh38, 1-based): chr10:20,815,625, C>T on the plus strand (G>A on the coding strand, the complement: NEBL is on the minus strand). VCF-style: chr10-20815625-C-T. GRCh37 (hg19) VCF-style: chr10-21104554-C-T.
Other names: c.250-2685G>A (NM_001377326.1, NM_001377327.1, NM_001377328.1); c.358-2685G>A (NM_213569.2, NM_001173484.2, NM_001377322.1); c.301-2685G>A (NM_001377324.1); c.292-2685G>A (NM_001377325.1); c.310-2685G>A (NM_001377323.1).
Identifiers: ClinVar variation 1437610 (VCV001437610.8), dbSNP rs377702958, ClinGen allele CA5432564.